The following is an entry in ClinVar:

ClinVar aggregate classification (germline): Uncertain significance (1 of 4 stars; one submission).

Submission:

Women's Health and Genetics/Laboratory Corporation of America, LabCorp
Classification: Uncertain significance. Last evaluated: 2021-06-14. Review status: criteria provided, single submitter. Criteria: LabCorp Variant Classification Summary - May 2015. Collection method: clinical testing. Allele origin: germline.
Comment: Variant summary: LDB3 c.811C>T (p.Gln271X) results in a premature termination codon, predicted to cause a truncation of the encoded protein or absence of the protein due to nonsense mediated decay, which are commonly known mechanisms for disease. The variant was absent in 251330 control chromosomes (gnomAD). To our knowledge, no occurrence of c.811C>T in individuals affected with Cardiomyopathy and no experimental evidence demonstrating its impact on protein function have been reported. No clinical diagnostic laboratories have submitted clinical-significance assessments for this variant to ClinVar after 2014. Moreover, in ClinVar, all nonsense or truncated variants were classified as uncertain significance, including truncations upstream and downstream of this protein. Additionally, LDB3 gene was classified as "limited association" with dilated cardiomyopathy and "disputed association" with arrhythmogenic right ventricular cardiomyopathy in ClinGen. Currently available evidence does not support loss-of-function variants to be pathogenic with Cardiomyopathy. Based on the evidence outlined above, the variant was classified as uncertain significance until additional clinical and functional evidence become available.

NM_007078.3(LDB3):c.811C>T (p.Gln271Ter)

Gene: LDB3 (LIM domain binding 3; plus strand). Cytogenetic location: 10q23.2.
Variant type: single nucleotide variant.
Coding change: c.811C>T on transcript NM_007078.3 (MANE Select); coding-DNA position 811, C replaced by T.
Protein change: p.Gln271Ter; replaces glutamine 271 with a stop codon.
Molecular consequence: nonsense.
Genome position (GRCh38, 1-based): chr10:86,692,017, C>T. VCF-style: chr10-86692017-C-T. GRCh37 (hg19) VCF-style: chr10-88451774-C-T.
Other names: c.670C>T, p.Gln224Ter (NM_001080114.2, NM_001080116.1, NM_001368068.1 and 2 more transcripts); c.811C>T, p.Gln271Ter (NM_001080115.2, NM_001368063.1, NM_001368064.1 and 1 more transcripts); c.1015C>T, p.Gln339Ter (NM_001171610.2, NM_001171611.2); short protein forms Q224*, Q271*, Q339*.
Identifiers: ClinVar variation 1172875 (VCV001172875.1), dbSNP rs2132415645, ClinGen allele CA377443278.